The following is an entry in ClinVar:

ClinVar aggregate classification (germline): Likely benign. Review status: criteria provided, multiple submitters, no conflicts (2 of 4 stars). 2 submissions from 2 submitters: Likely benign (2). Last evaluated 2025-02-21.

Conditions:
Breast-ovarian cancer, familial, susceptibility to, 4. Identifiers: Orphanet 145, MedGen C3280345, MONDO:0013669, OMIM 614291.

Submissions (2):

Myriad Genetics, Inc.
Classification: Likely benign for Breast-ovarian cancer, familial, susceptibility to, 4. Last evaluated: 2025-02-21. Review status: criteria provided, single submitter. Criteria: Myriad Autosomal Dominant, Autosomal Recessive and X-Linked Classification Criteria (2023). Collection method: clinical testing. Allele origin: unknown.
Comment: This variant is considered likely benign. This variant is intronic and is not expected to impact mRNA splicing.

Labcorp Genetics (formerly Invitae), Labcorp
Classification: Likely benign for Breast-ovarian cancer, familial, susceptibility to, 4. Last evaluated: 2021-03-26. Review status: criteria provided, single submitter. Criteria: Invitae Variant Classification Sherloc (09022015). Collection method: clinical testing. Allele origin: germline.

NM_002878.4(RAD51D):c.481-9C>T

Genes: RAD51D (RAD51 paralog D; minus strand), RAD51L3-RFFL (RAD51L3-RFFL readthrough; minus strand). Cytogenetic location: 17q12.
Variant type: single nucleotide variant.
Coding change: c.481-9C>T on transcript NM_002878.4 (MANE Select); 9 bases into the intron before coding-DNA position 481, C replaced by T.
Molecular consequence: intron variant.
Genome position (GRCh38, 1-based): chr17:35,106,490, G>A on the plus strand (C>T on the coding strand, the complement: RAD51D is on the minus strand). VCF-style: chr17-35106490-G-A. GRCh37 (hg19) VCF-style: chr17-33433509-G-A.
Other names: c.145-9C>T (NM_133629.3); c.541-9C>T (NM_001142571.2).
Identifiers: ClinVar variation 1612003 (VCV001612003.9), dbSNP rs2142429838, ClinGen allele CA2573153501.